The following is an entry in ClinVar:

ClinVar aggregate classification (germline): Uncertain significance (1 of 4 stars; one submission).

Submission:

Labcorp Genetics (formerly Invitae), Labcorp
Classification: Uncertain significance. Last evaluated: 2024-03-25. Review status: criteria provided, single submitter. Criteria: Invitae Variant Classification Sherloc (09022015). Collection method: clinical testing. Allele origin: germline.
Comment: This sequence change replaces valine, which is neutral and non-polar, with methionine, which is neutral and non-polar, at codon 1606 of the TRRAP protein (p.Val1606Met). This variant is not present in population databases (gnomAD no frequency). This variant has not been reported in the literature in individuals affected with TRRAP-related conditions. Algorithms developed to predict the effect of missense changes on protein structure and function output the following: SIFT: "Not Available"; PolyPhen-2: "Possibly Damaging"; Align-GVGD: "Not Available". The methionine amino acid residue is found in multiple mammalian species, which suggests that this missense change does not adversely affect protein function. In summary, the available evidence is currently insufficient to determine the role of this variant in disease. Therefore, it has been classified as a Variant of Uncertain Significance.

NM_001375524.1(TRRAP):c.4891G>A (p.Val1631Met)

Gene: TRRAP (transformation/transcription domain associated protein; plus strand). Cytogenetic location: 7q22.1.
Variant type: single nucleotide variant.
Coding change: c.4891G>A on transcript NM_001375524.1 (MANE Select); coding-DNA position 4891, G replaced by A.
Protein change: p.Val1631Met; replaces valine 1631 with methionine.
Molecular consequence: missense variant.
Genome position (GRCh38, 1-based): chr7:98,949,519, G>A. VCF-style: chr7-98949519-G-A. GRCh37 (hg19) VCF-style: chr7-98547142-G-A.
Other names: c.4870G>A, p.Val1624Met (NM_001244580.2); c.4816G>A, p.Val1606Met (NM_003496.4); short protein forms V1606M, V1624M, V1631M.
Identifiers: ClinVar variation 3610557 (VCV003610557.2).
Genomic context (GRCh38, chr7:98,949,519, plus strand): 5'-CTGGCTGCCAACCCCAACAGGTTCATCACCCTGCTGCTGCCGGGGGGTGCCCAGACGGCT[G>A]TGCGCCCCGGTTCGCCCAGCACCAGCACCATGCGCCTGGACCTCCAGTTCCAGGCCATCA-3'
Protein context (NP_001362453.1, residues 1621-1641): LLLPGGAQTA[Val1631Met]RPGSPSTSTM